The following is an entry in ClinVar:

ClinVar aggregate classification (germline): Conflicting classifications of pathogenicity. Review status: criteria provided, conflicting classifications (1 of 4 stars). 6 submissions from 6 submitters: Uncertain significance (3); Benign (1); Likely benign (1). 1 of the submissions does not count toward it. Last evaluated 2025-01-10.

Conditions:
Sotos syndrome (SOTOS). Also called: Sotos' syndrome; CHROMOSOME 5q35 DELETION SYNDROME; SOTOS SYNDROME 1; Distinctive facial appearance, overgrowth in childhood, and learning disabilities or delayed development; CEREBRAL GIGANTISM. Identifiers: Orphanet 821, MedGen C0175695, MONDO:0019349, OMIM 117550.
NSD1-related disorder. Also called: NSD1-related condition.
Inborn genetic diseases. Identifiers: MedGen C0950123, MeSH D030342.

Allele frequency attached by ClinVar (database versions not stated): gnomAD exomes 0.00001; TOPMed 0.00001; gnomAD 0.00003.
gnomAD v4.1: 18 of 1,614,056 alleles (0.0011%); highest among the groups gnomAD compares: African/African-American, 0.0053%; no homozygotes.

Submissions (6):

Ambry Genetics
Classification: Likely benign for Inborn genetic diseases. Last evaluated: 2025-01-10. Review status: criteria provided, single submitter. Criteria: Ambry Variant Classification Scheme 2023. Collection method: clinical testing. Allele origin: germline.

Labcorp Genetics (formerly Invitae), Labcorp
Classification: Benign. Last evaluated: 2024-04-16. Review status: criteria provided, single submitter. Criteria: Invitae Variant Classification Sherloc (09022015). Collection method: clinical testing. Allele origin: germline.

Institute for Clinical Genetics, University Hospital TU Dresden, University Hospital TU Dresden
Classification: Uncertain significance. Last evaluated: 2021-11-03. Review status: criteria provided, single submitter. Criteria: ACMG Guidelines, 2015. Collection method: clinical testing. Allele origin: germline.

Genome-Nilou Lab
Classification: Uncertain significance for Sotos syndrome. Last evaluated: 2021-07-15. Review status: criteria provided, single submitter. Criteria: ACMG Guidelines, 2015. Collection method: clinical testing. Allele origin: germline. Affected: no.

GeneDx
Classification: Uncertain significance. Last evaluated: 2019-12-02. Review status: criteria provided, single submitter. Criteria: GeneDx Variant Classification Process June 2021. Collection method: clinical testing. Allele origin: germline. Affected: yes.
Comment: In silico analysis, which includes protein predictors and evolutionary conservation, supports that this variant does not alter protein structure/function; Has not been previously published as pathogenic or benign to our knowledge

PreventionGenetics, part of Exact Sciences
Classification: Likely benign for NSD1-related condition. Last evaluated: 2024-05-15. Review status: no assertion criteria provided. Collection method: clinical testing. Allele origin: germline. Not counted in ClinVar's aggregate classification.
Comment: This variant is classified as likely benign based on ACMG/AMP sequence variant interpretation guidelines (Richards et al. 2015 PMID: 25741868, with internal and published modifications).

NM_022455.5(NSD1):c.2032A>G (p.Met678Val)

Gene: NSD1 (nuclear receptor binding SET domain protein 1; plus strand). Cytogenetic location: 5q35.3.
Variant type: single nucleotide variant.
Coding change: c.2032A>G on transcript NM_022455.5 (MANE Select); coding-DNA position 2032, A replaced by G.
Protein change: p.Met678Val; replaces methionine 678 with valine.
Molecular consequence: missense variant.
Genome position (GRCh38, 1-based): chr5:177,210,431, A>G. VCF-style: chr5-177210431-A-G. GRCh37 (hg19) VCF-style: chr5-176637432-A-G.
Other names: c.1159A>G, p.Met387Val (NM_001409308.1, NM_001409309.1, NM_172349.5 and 3 more transcripts); c.2032A>G, p.Met678Val (NM_001409301.1, NM_001409302.1, NM_001409303.1); c.1612A>G, p.Met538Val (NM_001409304.1); c.1279A>G, p.Met427Val (NM_001409305.1); short protein forms M409V, M678V, M538V, M427V, M387V.
Identifiers: ClinVar variation 963233 (VCV000963233.17), dbSNP rs773904155, ClinGen allele CA132829744.